The following is an entry in ClinVar:

NM_173630.4(RTTN):c.2921C>T (p.Ser974Leu)

Gene: RTTN (rotatin; minus strand). Cytogenetic location: 18q22.2.
Variant type: single nucleotide variant.
Coding change: c.2921C>T on transcript NM_173630.4 (MANE Select); coding-DNA position 2921, C replaced by T.
Protein change: p.Ser974Leu; replaces serine 974 with leucine.
Molecular consequence: missense variant.
Genome position (GRCh38, 1-based): chr18:70,134,506, G>A on the plus strand (C>T on the coding strand, the complement: RTTN is on the minus strand). VCF-style: chr18-70134506-G-A. GRCh37 (hg19) VCF-style: chr18-67801742-G-A.
Other names: c.2921C>T (NM_173630.3); c.185C>T, p.Ser62Leu (NM_001318520.2); short protein forms S62L, S974L.
Identifiers: ClinVar variation 1352909 (VCV001352909.9), dbSNP rs1284338810, ClinGen allele CA402695394.

ClinVar aggregate classification (germline): Uncertain significance. Review status: criteria provided, multiple submitters, no conflicts (2 of 4 stars). 2 submissions from 2 submitters: Uncertain significance (2). Last evaluated 2025-04-25.

Conditions:
Inborn genetic diseases. Identifiers: MedGen C0950123, MeSH D030342.

Allele frequency attached by ClinVar (database versions not stated): TOPMed 0.00002; gnomAD 0.00001.
gnomAD v4.1: 13 of 1,609,812 alleles (0.00081%); highest among the groups gnomAD compares: African/African-American, 0.0054%; no homozygotes.

Submissions (2):

Ambry Genetics
Classification: Uncertain significance for Inborn genetic diseases. Last evaluated: 2025-04-25. Review status: criteria provided, single submitter. Criteria: Ambry Variant Classification Scheme 2023. Collection method: clinical testing. Allele origin: germline.

Labcorp Genetics (formerly Invitae), Labcorp
Classification: Uncertain significance. Last evaluated: 2022-02-05. Review status: criteria provided, single submitter. Criteria: Invitae Variant Classification Sherloc (09022015). Collection method: clinical testing. Allele origin: germline.
Comment: This variant has not been reported in the literature in individuals affected with RTTN-related conditions. In summary, the available evidence is currently insufficient to determine the role of this variant in disease. Therefore, it has been classified as a Variant of Uncertain Significance. Algorithms developed to predict the effect of missense changes on protein structure and function (SIFT, PolyPhen-2, Align-GVGD) all suggest that this variant is likely to be tolerated. This variant is present in population databases (no rsID available, gnomAD 0.008%). This sequence change replaces serine, which is neutral and polar, with leucine, which is neutral and non-polar, at codon 974 of the RTTN protein (p.Ser974Leu).